The following is an entry in ClinVar:

NM_001048174.2(MUTYH):c.1438T>G (p.Ser480Ala)

Gene: MUTYH (mutY DNA glycosylase; minus strand). Cytogenetic location: 1p34.1.
Variant type: single nucleotide variant.
Coding change: c.1438T>G on transcript NM_001048174.2 (MANE Select); coding-DNA position 1438, T replaced by G.
Protein change: p.Ser480Ala; replaces serine 480 with alanine.
Molecular consequence: missense variant. On other transcripts: non-coding transcript variant (7).
Genome position (GRCh38, 1-based): chr1:45,329,434, A>C on the plus strand (T>G on the coding strand, the complement: MUTYH is on the minus strand). VCF-style: chr1-45329434-A-C. GRCh37 (hg19) VCF-style: chr1-45795106-A-C.
Other names: c.1162T>G, p.Ser388Ala (NM_001293196.2, NM_001293192.2, NM_001407091.1); c.1093T>G, p.Ser365Ala (NM_001350650.2, NM_001350651.2, NM_001407082.1); c.1471T>G, p.Ser491Ala (NM_001407069.1, NM_001407077.1, NM_001293191.2); c.1438T>G, p.Ser480Ala (NM_001407070.1, NM_001407072.1, NM_001407073.1 and 6 more transcripts); c.1441T>G, p.Ser481Ala (NM_001407071.1, NM_001048172.2, NM_001407078.1 and 1 more transcripts); c.1354T>G, p.Ser452Ala (NM_001407075.1); c.1522T>G, p.Ser508Ala (NM_001128425.2); c.1483T>G, p.Ser495Ala (NM_001293190.2); and 5 more; short protein forms S388A, S467A, S494A, S505A, S452A, S481A, S487A, S466A.
Identifiers: ClinVar variation 4113323 (VCV004113323.1).
Genomic context (GRCh38, chr1:45,329,434, plus strand): 5'-CTTGCTGGCCCATGCGGGGCTTTTTCCGACTGCACGGAGAGGACACCTGGGACCTTTTGG[A>C]ACCCTGTGAAAAAATGGAAGGAGGGAGGCCTTGTAGTTGGGGGAGGGGGAGCAGAGAATC-3'
Protein context (NP_001041639.1, residues 470-490): QGQQPGTCMG[Ser480Ala]KRSQVSSPCS

ClinVar aggregate classification (germline): Uncertain significance (1 of 4 stars; one submission).

Conditions:
Hereditary cancer-predisposing syndrome. Also called: Tumor predisposition; Neoplastic Syndromes, Hereditary; Hereditary neoplastic syndrome; Hereditary Cancer Syndrome. Identifiers: Orphanet 140162, MedGen C0027672, MeSH D009386, MONDO:0015356.

Submission:

Ambry Genetics
Classification: Uncertain significance for Hereditary cancer-predisposing syndrome. Last evaluated: 2025-08-27. Review status: criteria provided, single submitter. Criteria: Ambry Variant Classification Scheme 2023. Collection method: clinical testing. Allele origin: germline.
Comment: The p.S508A variant (also known as c.1522T>G), located in coding exon 16 of the MUTYH gene, results from a T to G substitution at nucleotide position 1522. The serine at codon 508 is replaced by alanine, an amino acid with similar properties. This amino acid position is conserved. In addition, this alteration is predicted to be tolerated by in silico analysis. Based on the available evidence, the clinical significance of this variant remains unclear.